The following is an entry in ClinVar:

ClinVar aggregate classification (germline): Uncertain significance (1 of 4 stars; one submission).

Allele frequency attached by ClinVar (database versions not stated): TOPMed below 0.00001; gnomAD 0.00001.
gnomAD v4.1: 2 of 1,613,972 alleles (0.00012%); highest among the groups gnomAD compares: East Asian, 0.0022%; no homozygotes.

Submission:

Labcorp Genetics (formerly Invitae), Labcorp
Classification: Uncertain significance. Last evaluated: 2023-08-02. Review status: criteria provided, single submitter. Criteria: Invitae Variant Classification Sherloc (09022015). Collection method: clinical testing. Allele origin: germline.
Comment: In summary, the available evidence is currently insufficient to determine the role of this variant in disease. Therefore, it has been classified as a Variant of Uncertain Significance. An algorithm developed to predict the effect of missense changes on protein structure and function (PolyPhen-2) suggests that this variant is likely to be tolerated. This variant has not been reported in the literature in individuals affected with CTR9-related conditions. This variant is not present in population databases (gnomAD no frequency). This sequence change replaces valine, which is neutral and non-polar, with methionine, which is neutral and non-polar, at codon 610 of the CTR9 protein (p.Val610Met).

NM_014633.5(CTR9):c.1828G>A (p.Val610Met)

Gene: CTR9 (CTR9 component of Paf1/RNA polymerase II complex; plus strand). Cytogenetic location: 11p15.4.
Variant type: single nucleotide variant.
Coding change: c.1828G>A on transcript NM_014633.5 (MANE Select); coding-DNA position 1828, G replaced by A.
Protein change: p.Val610Met; replaces valine 610 with methionine.
Molecular consequence: missense variant.
Genome position (GRCh38, 1-based): chr11:10,767,947, G>A. VCF-style: chr11-10767947-G-A. GRCh37 (hg19) VCF-style: chr11-10789494-G-A.
Other names: c.1828G>A, p.Val610Met (NM_001346279.2); short protein forms V610M.
Identifiers: ClinVar variation 2972118 (VCV002972118.3), dbSNP rs1245642519, ClinGen allele CA379673564.